The following is an entry in ClinVar:

ClinVar aggregate classification (germline): Likely benign (0 of 4 stars; one submission).

Conditions:
FAM20C-related disorder. Also called: FAM20C-related condition.

Submission:

PreventionGenetics, part of Exact Sciences
Classification: Likely benign for FAM20C-related condition. Last evaluated: 2022-12-19. Review status: no assertion criteria provided. Collection method: clinical testing. Allele origin: germline.
Comment: This variant is classified as likely benign based on ACMG/AMP sequence variant interpretation guidelines (Richards et al. 2015 PMID: 25741868, with internal and published modifications).

NM_020223.4(FAM20C):c.956+31C>G

Gene: FAM20C (FAM20C golgi associated secretory pathway kinase; plus strand). Cytogenetic location: 7p22.3.
Variant type: single nucleotide variant.
Coding change: c.956+31C>G on transcript NM_020223.4 (MANE Select); 31 bases into the intron after coding-DNA position 956, C replaced by G.
Molecular consequence: intron variant.
Genome position (GRCh38, 1-based): chr7:246,538, C>G. VCF-style: chr7-246538-C-G. GRCh37 (hg19) VCF-style: chr7-286504-C-G.
Identifiers: ClinVar variation 3044475 (VCV003044475.2), dbSNP rs546366328, ClinGen allele CA2740091543.